The following is an entry in ClinVar:

ClinVar aggregate classification (germline): Uncertain significance (1 of 4 stars; one submission).

Conditions:
Leukocyte adhesion deficiency 3. Also called: INTEGRIN ACTIVATION DEFICIENCY DISEASE; LEUKOCYTE ADHESION DEFICIENCY 1 VARIANT; Leukocyte adhesion deficiency, type III. Identifiers: Orphanet 2968, Orphanet 99844, MedGen C2748536, MONDO:0013016, OMIM 612840.

Allele frequency attached by ClinVar (database versions not stated): gnomAD exomes below 0.00001; gnomAD 0.00001; TOPMed 0.00001; ExAC 0.00002; ESP Exome Variant Server 0.00008.

Submission:

Labcorp Genetics (formerly Invitae), Labcorp
Classification: Uncertain significance for Leukocyte adhesion deficiency 3. Last evaluated: 2022-08-23. Review status: criteria provided, single submitter. Criteria: Invitae Variant Classification Sherloc (09022015). Collection method: clinical testing. Allele origin: germline.
Comment: This sequence change creates a premature translational stop signal (p.Arg625*) in the FERMT3 gene. While this is not anticipated to result in nonsense mediated decay, it is expected to disrupt the last 39 amino acid(s) of the FERMT3 protein. This variant is present in population databases (rs375257104, gnomAD 0.0009%). This variant has not been reported in the literature in individuals affected with FERMT3-related conditions. ClinVar contains an entry for this variant (Variation ID: 1039540). Experimental studies and prediction algorithms are not available or were not evaluated, and the functional significance of this variant is currently unknown. In summary, the available evidence is currently insufficient to determine the role of this variant in disease. Therefore, it has been classified as a Variant of Uncertain Significance.

NM_031471.6(FERMT3):c.1873C>T (p.Arg625Ter)

Gene: FERMT3 (FERM domain containing kindlin 3; plus strand). Cytogenetic location: 11q13.1.
Variant type: single nucleotide variant.
Coding change: c.1873C>T on transcript NM_031471.6 (MANE Select); coding-DNA position 1873, C replaced by T.
Protein change: p.Arg625Ter; replaces arginine 625 with a stop codon.
Molecular consequence: nonsense.
Genome position (GRCh38, 1-based): chr11:64,223,373, C>T. VCF-style: chr11-64223373-C-T. GRCh37 (hg19) VCF-style: chr11-63990845-C-T.
Other names: c.1873C>T, p.Arg625Ter (NM_001382361.1, NM_001382448.1); c.1885C>T, p.Arg629Ter (NM_001382362.1, NM_178443.3); c.1333C>T, p.Arg445Ter (NM_001382363.1); c.1345C>T, p.Arg449Ter (NM_001382364.1); short protein forms R445*, R625*, R449*, R629*.
Identifiers: ClinVar variation 1039540 (VCV001039540.6), dbSNP rs375257104, ClinGen allele CA6069310.